The following is an entry in ClinVar:

ClinVar aggregate classification (germline): Conflicting classifications of pathogenicity. Review status: criteria provided, conflicting classifications (1 of 4 stars). 3 submissions from 3 submitters: Uncertain significance (1); Likely benign (2). Last evaluated 2026-09-01.

Allele frequency attached by ClinVar (database versions not stated): 1000 Genomes Project 0.00040; 1000 Genomes Project 30x 0.00062; gnomAD 0.00154 and 0.00164; TOPMed 0.00172; ESP Exome Variant Server 0.00254.
gnomAD v4.1: 3,359 of 1,613,918 alleles (0.21%); highest among the groups gnomAD compares: Non-Finnish European, 0.26%; 6 homozygotes.

Submissions (3):

CeGaT Center for Human Genetics Tuebingen
Classification: Likely benign. Last evaluated: 2026-09-01. Review status: criteria provided, single submitter. Criteria: CeGaT Center For Human Genetics Tuebingen Variant Classification Criteria Version 2. Collection method: clinical testing. Allele origin: germline. Affected: yes. Observed: 2 variant alleles.
Comment: PDE11A: BP4, BS1

Labcorp Genetics (formerly Invitae), Labcorp
Classification: Likely benign. Last evaluated: 2019-12-31. Review status: criteria provided, single submitter. Criteria: Invitae Variant Classification Sherloc (09022015). Collection method: clinical testing. Allele origin: germline.

GeneDx
Classification: Uncertain significance. Last evaluated: 2016-02-11. Review status: criteria provided, single submitter. Criteria: GeneDx Variant Classification (06012015). Collection method: clinical testing. Allele origin: germline. Affected: yes.
Comment: The R52T variant in the PDE11A gene has been reported previously as a functional polymorphism that has been identified more often in patients with testicular germ cell tumors than in healthy controls (Horvath et al., 2009; Azevedo et al., 2013). In vitro transfection experiments show that R52T leads to reduced ability of PDE11A to degrade cAMP (Horvath et al., 2009; Azevedo et al., 2013). The NHLBI ESP Exome Sequencing Project reports R52T was observed in 0.34% (30/8600) alleles from individuals of European American background, indicating it may be a rare (benign) variant in this population. The R52T variant is a semi-conservative amino acid substitution, which may impact secondary protein structure as these residues differ in some properties. This substitution occurs at a position that is not conserved, and in silico analysis predicts this variant likely does not alter the protein structure/function. We interpret R52T as a variant of uncertain significance.

NM_016953.4(PDE11A):c.155G>C (p.Arg52Thr)

Gene: PDE11A (phosphodiesterase 11A; minus strand). Cytogenetic location: 2q31.2.
Variant type: single nucleotide variant.
Coding change: c.155G>C on transcript NM_016953.4 (MANE Select); coding-DNA position 155, G replaced by C.
Protein change: p.Arg52Thr; replaces arginine 52 with threonine.
Molecular consequence: missense variant. On other transcripts: intron variant (1).
Genome position (GRCh38, 1-based): chr2:178,072,283, C>G on the plus strand (G>C on the coding strand, the complement: PDE11A is on the minus strand). VCF-style: chr2-178072283-C-G. GRCh37 (hg19) VCF-style: chr2-178937010-C-G.
Other names: c.162+32019G>C (NM_001077197.2); short protein forms R52T.
Identifiers: ClinVar variation 378338 (VCV000378338.8), dbSNP rs77972073, ClinGen allele CA1982312.